The following is an entry in ClinVar:

NM_024675.4(PALB2):c.3106G>C (p.Val1036Leu)

Gene: PALB2 (partner and localizer of BRCA2; minus strand). Cytogenetic location: 16p12.2.
Variant type: single nucleotide variant.
Coding change: c.3106G>C on transcript NM_024675.4 (MANE Select); coding-DNA position 3106, G replaced by C.
Protein change: p.Val1036Leu; replaces valine 1036 with leucine.
Molecular consequence: missense variant.
Genome position (GRCh38, 1-based): chr16:23,621,369, C>G on the plus strand (G>C on the coding strand, the complement: PALB2 is on the minus strand). VCF-style: chr16-23621369-C-G. GRCh37 (hg19) VCF-style: chr16-23632690-C-G.
Other names: short protein forms V1036L.
Identifiers: ClinVar variation 188131 (VCV000188131.37), dbSNP rs756906403, ClinGen allele CA334122.

ClinVar aggregate classification (germline): Conflicting classifications of pathogenicity. Review status: criteria provided, conflicting classifications (1 of 4 stars). 12 submissions from 12 submitters: Uncertain significance (9); Likely benign (1). 2 of the submissions do not count toward it. Last evaluated 2026-01-05.

Conditions:
Hereditary cancer-predisposing syndrome. Also called: Tumor predisposition; Hereditary neoplastic syndrome; Neoplastic Syndromes, Hereditary; Hereditary Cancer Syndrome. Identifiers: Orphanet 140162, MedGen C0027672, MeSH D009386, MONDO:0015356.
Pancreatic cancer, susceptibility to, 3. Identifiers: Orphanet 1333, MedGen C3150547, MONDO:0013236, OMIM 613348.
Familial cancer of breast. Also called: hereditary breast carcinoma; BREAST CANCER, FAMILIAL; Hereditary breast cancer. Identifiers: Orphanet 227535, MedGen C0346153, MONDO:0016419, OMIM 114480. Disease mechanism: loss of function.
Fanconi anemia complementation group N. Also called: PALB2-Related Fanconi Anemia. Identifiers: Orphanet 84, MedGen C1835817, MONDO:0012565, OMIM 610832. Disease mechanism: loss of function.
Carcinoma of colon (CRC). Also called: Colonic carcinoma; Colon carcinoma. Identifiers: MedGen C0699790, MONDO:0002032.

Allele frequency attached by ClinVar (database versions not stated): gnomAD 0.00001; gnomAD exomes 0.00003 and 0.00001; ExAC 0.00002; TOPMed 0.00001.
gnomAD v4.1: 41 of 1,607,818 alleles (0.0026%); highest among the groups gnomAD compares: Non-Finnish European, 0.0035%; no homozygotes.

Submissions (12):

Labcorp Genetics (formerly Invitae), Labcorp
Classification: Uncertain significance for Familial cancer of breast. Last evaluated: 2026-01-05. Review status: criteria provided, single submitter. Criteria: Invitae Variant Classification Sherloc (09022015). Collection method: clinical testing. Allele origin: germline.
Comment: This sequence change replaces valine, which is neutral and non-polar, with leucine, which is neutral and non-polar, at codon 1036 of the PALB2 protein (p.Val1036Leu). This variant is present in population databases (rs756906403, gnomAD 0.002%). This missense change has been observed in individual(s) with breast cancer (PMID: 26283626, 28779002). ClinVar contains an entry for this variant (Variation ID: 188131). Invitae Evidence Modeling of protein sequence and biophysical properties (such as structural, functional, and spatial information, amino acid conservation, physicochemical variation, residue mobility, and thermodynamic stability) indicates that this missense variant is not expected to disrupt PALB2 protein function with a negative predictive value of 80%. RNA analysis performed to evaluate the impact of this missense change on mRNA splicing indicates it does not significantly alter splicing (internal data). In summary, the available evidence is currently insufficient to determine the role of this variant in disease. Therefore, it has been classified as a Variant of Uncertain Significance.

GeneDx
Classification: Uncertain significance. Last evaluated: 2025-05-12. Review status: criteria provided, single submitter. Criteria: GeneDx Variant Classification Process June 2021. Collection method: clinical testing. Allele origin: germline. Affected: yes.
Comment: Not observed at significant frequency in large population cohorts (gnomAD); In silico analysis suggests that this missense variant does not alter protein structure/function; This variant is associated with the following publications: (PMID: 26283626, 32546565, Gordon2000[Book], 19609323, 20871615, 33471991)

Ambry Genetics
Classification: Likely benign for Hereditary cancer-predisposing syndrome. Last evaluated: 2025-02-12. Review status: criteria provided, single submitter. Criteria: Ambry Variant Classification Scheme 2023. Collection method: clinical testing. Allele origin: germline.

Color Diagnostics, LLC DBA Color Health
Classification: Uncertain significance for Hereditary cancer-predisposing syndrome. Last evaluated: 2024-11-14. Review status: criteria provided, single submitter. Criteria: ACMG Guidelines, 2015. Collection method: clinical testing. Allele origin: germline.
Comment: This missense variant replaces valine with leucine at codon 1036 of the PALB2 protein. Computational prediction suggests that this variant may not impact protein structure and function. To our knowledge, functional studies have not been reported for this variant. This variant has been reported in individuals affected with breast cancer (PMID: 26283626, 28779002), ovarian cancer (PMID: 32546565) and in a breast cancer case-control meta-analysis in 4/60466 cases and 1/53461 unaffected individuals (PMID: 33471991; Leiden Open Variation Database DB-ID PALB2_010334). This variant has been identified in 2/251404 chromosomes in the general population by the Genome Aggregation Database (gnomAD). The available evidence is insufficient to determine the role of this variant in disease conclusively. Therefore, this variant is classified as a Variant of Uncertain Significance.

Baylor Genetics
Classification: Uncertain significance for Familial cancer of breast. Last evaluated: 2024-02-05. Review status: criteria provided, single submitter. Criteria: ACMG Guidelines, 2015. Collection method: clinical testing. Allele origin: unknown.

Myriad Genetics, Inc.
Classification: Uncertain significance for Familial cancer of breast. Last evaluated: 2023-03-30. Review status: criteria provided, single submitter. Criteria: Myriad Autosomal Dominant, Autosomal Recessive and X-Linked Classification Criteria (2023). Collection method: clinical testing. Allele origin: unknown.
Comment: This variant is classified as a variant of uncertain significance as there is insufficient evidence to determine its impact on protein function and/or cancer risk.

Women's Health and Genetics/Laboratory Corporation of America, LabCorp
Classification: Uncertain significance. Last evaluated: 2022-12-15. Review status: criteria provided, single submitter. Criteria: LabCorp Variant Classification Summary - May 2015. Collection method: clinical testing. Allele origin: germline.
Comment: Variant summary: PALB2 c.3106G>C (p.Val1036Leu) results in a conservative amino acid change located in the Partner and localiser of BRCA2, WD40 domain (IPR031920) of the encoded protein sequence. Three of five in-silico tools predict a benign effect of the variant on protein function. The variant allele was found at a frequency of 8e-06 in 251404 control chromosomes. The available data on variant occurrences in the general population are insufficient to allow any conclusion about variant significance. c.3106G>C has been reported in the literature in individuals affected with breast cancer and ovarian cancer (Thompson_2015, Decker_2017, Song_2021), but it has also been reported in controls (Decker_2017). These reports do not provide unequivocal conclusions about association of the variant with Hereditary Breast And Ovarian Cancer Syndrome. To our knowledge, no experimental evidence demonstrating an impact on protein function has been reported. Eight clinical diagnostic laboratories have submitted clinical-significance assessments for this variant to ClinVar after 2014. All laboratories classified the variant as uncertain significance. Based on the evidence outlined above, the variant was classified as uncertain significance.

Fulgent Genetics
Classification: Uncertain significance for Familial cancer of breast; Fanconi anemia complementation group N; Pancreatic cancer, susceptibility to, 3. Last evaluated: 2022-01-28. Review status: criteria provided, single submitter. Criteria: ACMG Guidelines, 2015. Collection method: clinical testing. Allele origin: unknown.

Sema4
Classification: Uncertain significance for Hereditary cancer-predisposing syndrome. Last evaluated: 2021-07-16. Review status: criteria provided, single submitter. Criteria: Sema4 Curation Guidelines. Collection method: curation. Allele origin: germline.
Comment: The PALB2 c.3106G>C (p.V1036L) variant has been reported in heterozygosity in at least five individuals with breast or ovarian cancer (PMID: 26283626, 33471991, 32546565). However, it has also been reported in a healthy control (PMID: 33471991). This variant was observed in 2/113718 chromosomes in the European (non-Finnish) population according to the Genome Aggregation Database (PMID: 32461654) and has been reported in ClinVar (Variation ID: 188131). In silico tools suggest the impact of the variant on protein function is benign, though these predictions have not been confirmed by functional studies. Based on the current evidence available, this variant is interpreted as a variant of uncertain significance.

Cancer Genetics Laboratory, Peter MacCallum Cancer Centre
Classification: Uncertain significance for Familial cancer of breast. Last evaluated: 2015-06-01. Review status: criteria provided, single submitter. Criteria: Thompson et al. (Breast Cancer Res. 2015). Collection method: case-control. Allele origin: germline. Affected: yes. Observed: 1 variant allele, 1 heterozygote.

Counsyl
Classification: Uncertain significance for Familial cancer of breast. Last evaluated: 2017-08-18. Review status: no assertion criteria provided. Collection method: clinical testing. Allele origin: unknown. Not counted in ClinVar's aggregate classification.

Leiden Open Variation Database
Classification: Uncertain significance for Colorectal cancer. Last evaluated: 2017-01-31. Review status: no assertion criteria provided. Collection method: curation. Allele origin: germline. Affected: yes. Not counted in ClinVar's aggregate classification.
Comment: Curators: Marc Tischkowitz, Arleen D. Auerbach. Submitter to LOVD: Melissa DeRycke.

Literature cited by the submitters: PubMed 26283626 (cited by 5 submitters); PubMed 28779002 (cited by 4 submitters); PubMed 33471991 (cited by 3 submitters); PubMed 32546565 (cited by 3 submitters).